The following is an entry in ClinVar:

ClinVar aggregate classification (germline): Uncertain significance (1 of 4 stars; one submission).

Conditions:
Holoprosencephaly 5 (HPE5). Identifiers: Orphanet 2162, MedGen C1864827, MONDO:0012322, OMIM 609637.

gnomAD v4.1: 8 of 993,936 alleles (0.0008%); highest among the groups gnomAD compares: African/African-American, 0.0018%; no homozygotes.

Submission:

Labcorp Genetics (formerly Invitae), Labcorp
Classification: Uncertain significance for Holoprosencephaly 5. Last evaluated: 2024-11-18. Review status: criteria provided, single submitter. Criteria: Invitae Variant Classification Sherloc (09022015). Collection method: clinical testing. Allele origin: germline.
Comment: This sequence change replaces glycine, which is neutral and non-polar, with serine, which is neutral and polar, at codon 492 of the ZIC2 protein (p.Gly492Ser). The frequency data for this variant in the population databases is considered unreliable, as metrics indicate poor data quality at this position in the gnomAD database. This variant has not been reported in the literature in individuals affected with ZIC2-related conditions. Experimental studies and prediction algorithms are not available or were not evaluated, and the functional significance of this variant is currently unknown. In summary, the available evidence is currently insufficient to determine the role of this variant in disease. Therefore, it has been classified as a Variant of Uncertain Significance.

NM_007129.5(ZIC2):c.1474G>A (p.Gly492Ser)

Gene: ZIC2 (Zic family zinc finger 2; plus strand). Cytogenetic location: 13q32.3.
Variant type: single nucleotide variant.
Coding change: c.1474G>A on transcript NM_007129.5 (MANE Select); coding-DNA position 1474, G replaced by A.
Protein change: p.Gly492Ser; replaces glycine 492 with serine.
Molecular consequence: missense variant.
Genome position (GRCh38, 1-based): chr13:99,985,557, G>A. VCF-style: chr13-99985557-G-A. GRCh37 (hg19) VCF-style: chr13-100637811-G-A.
Other names: short protein forms G492S.
Identifiers: ClinVar variation 3614746 (VCV003614746.2).
Genomic context (GRCh38, chr13:99,985,557, plus strand): 5'-TCCGCGGTGCACCGGGGCGGAGGCTCGGGCAGTGGCGGCGCGGGAGGCGGCTCAGGCGGC[G>A]GCAGCGGCAGTGGCGGGGGCGGCGGCGGGGCGGGCGGCGGGGGCGGCGGCAGCTCTGGCG-3'
Protein context (NP_009060.2, residues 482-502): SGGAGGGSGG[Gly492Ser]SGSGGGGGGA